The following is an entry in ClinVar:

NM_001368894.2(PAX6):c.1189A>G (p.Ser397Gly)

Gene: PAX6 (paired box 6; minus strand). Cytogenetic location: 11p13.
Variant type: single nucleotide variant.
Coding change: c.1189A>G on transcript NM_001368894.2 (MANE Select); coding-DNA position 1189, A replaced by G.
Protein change: p.Ser397Gly; replaces serine 397 with glycine.
Molecular consequence: missense variant. On other transcripts: non-coding transcript variant (1), intron variant (9).
Genome position (GRCh38, 1-based): chr11:31,790,746, T>C on the plus strand (A>G on the coding strand, the complement: PAX6 is on the minus strand). VCF-style: chr11-31790746-T-C. GRCh37 (hg19) VCF-style: chr11-31812294-T-C.
Other names: c.1147A>G, p.Ser383Gly (NM_000280.6, NM_001127612.3, NM_001258464.2 and 6 more transcripts); c.1189A>G, p.Ser397Gly (NM_001258462.3, NM_001258463.2, NM_001310158.2 and 3 more transcripts); c.739A>G, p.Ser247Gly (NM_001310160.2, NM_001310161.3, NM_001368899.2 and 10 more transcripts); c.1390A>G, p.Ser464Gly (NM_001368910.2); c.1264A>G, p.Ser422Gly (NM_001368918.2, NM_001368919.2); c.1222A>G, p.Ser408Gly (NM_001368920.2); c.988A>G, p.Ser330Gly (NM_001368922.2, NM_001368923.2, NM_001368924.2 and 3 more transcripts); c.946A>G, p.Ser316Gly (NM_001368928.2); and 6 more; short protein forms S182G, S383G, S408G, S316G, S397G, S464G, S247G, S330G.
Identifiers: ClinVar variation 4791079 (VCV004791079.1).

ClinVar aggregate classification (germline): Uncertain significance (1 of 4 stars; one submission).

Conditions:
Aniridia 1 (AN1). Identifiers: Orphanet 250923, MedGen C0344542, MONDO:0024507, OMIM 106210.
Irido-corneo-trabecular dysgenesis (ASGD5). Also called: ANTERIOR SEGMENT DYSGENESIS 5. Identifiers: Orphanet 708, MedGen C0344559, MONDO:0011414, OMIM 604229, HP:0000659.

Submission:

Labcorp Genetics (formerly Invitae), Labcorp
Classification: Uncertain significance for Aniridia 1; Irido-corneo-trabecular dysgenesis. Last evaluated: 2025-02-16. Review status: criteria provided, single submitter. Criteria: Invitae Variant Classification Sherloc (09022015). Collection method: clinical testing. Allele origin: germline.
Comment: This sequence change replaces serine, which is neutral and polar, with glycine, which is neutral and non-polar, at codon 383 of the PAX6 protein (p.Ser383Gly). This variant is not present in population databases (gnomAD no frequency). This variant has not been reported in the literature in individuals affected with PAX6-related conditions. Invitae Evidence Modeling of protein sequence and biophysical properties (such as structural, functional, and spatial information, amino acid conservation, physicochemical variation, residue mobility, and thermodynamic stability) indicates that this missense variant is not expected to disrupt PAX6 protein function with a negative predictive value of 95%. In summary, the available evidence is currently insufficient to determine the role of this variant in disease. Therefore, it has been classified as a Variant of Uncertain Significance.